The following is an entry in ClinVar:

NM_001348716.2(KDM6B):c.2428G>A (p.Val810Met)

Gene: KDM6B (lysine demethylase 6B; plus strand). Cytogenetic location: 17p13.1.
Variant type: single nucleotide variant.
Coding change: c.2428G>A on transcript NM_001348716.2 (MANE Select); coding-DNA position 2428, G replaced by A.
Protein change: p.Val810Met; replaces valine 810 with methionine.
Molecular consequence: missense variant.
Genome position (GRCh38, 1-based): chr17:7,848,716, G>A. VCF-style: chr17-7848716-G-A. GRCh37 (hg19) VCF-style: chr17-7752034-G-A.
Other names: c.2428G>A (NM_001080424.1); c.2428G>A, p.Val810Met (NM_001080424.2); short protein forms V810M.
Identifiers: ClinVar variation 3629662 (VCV003629662.2).

ClinVar aggregate classification (germline): Uncertain significance. Review status: criteria provided, multiple submitters, no conflicts (2 of 4 stars). 2 submissions from 2 submitters: Uncertain significance (2). Last evaluated 2025-08-09.

Conditions:
Inborn genetic diseases. Identifiers: MedGen C0950123, MeSH D030342.

gnomAD v4.1: 13 of 1,612,336 alleles (0.00081%); highest among the groups gnomAD compares: African/African-American, 0.004%; no homozygotes.

Submissions (2):

Ambry Genetics
Classification: Uncertain significance for Inborn genetic diseases. Last evaluated: 2025-08-09. Review status: criteria provided, single submitter. Criteria: Ambry Variant Classification Scheme 2023. Collection method: clinical testing. Allele origin: germline.

Women's Health and Genetics/Laboratory Corporation of America, LabCorp
Classification: Uncertain significance. Last evaluated: 2024-11-13. Review status: criteria provided, single submitter. Criteria: LabCorp Variant Classification Summary - May 2015. Collection method: clinical testing. Allele origin: germline.
Comment: Variant summary: KDM6B c.2428G>A (p.Val810Met) results in a conservative amino acid change in the encoded protein sequence. Three of five in-silico tools predict a damaging effect of the variant on protein function. The variant allele was found at a frequency of 8.1e-06 in 1605358 control chromosomes in the gnomAD database (v4.1 dataset). This frequency is not higher than estimated maximum for a pathogenic variant in KDM6B causing Neurodevelopmental Disorder With Coarse Facies And Mild Distal Skeletal Abnormalities, allowing no conclusion about variant significance. To our knowledge, no occurrence of c.2428G>A in individuals affected with Neurodevelopmental Disorder With Coarse Facies And Mild Distal Skeletal Abnormalities and no experimental evidence demonstrating its impact on protein function have been reported. No submitters have cited clinical-significance assessments for this variant to ClinVar. Based on the evidence outlined above, the variant was classified as uncertain significance.